The following is an entry in ClinVar:

NM_017780.4(CHD7):c.2957+2T>G

Gene: CHD7 (chromodomain helicase DNA binding protein 7; plus strand). Cytogenetic location: 8q12.2.
Variant type: single nucleotide variant.
Coding change: c.2957+2T>G on transcript NM_017780.4 (MANE Select); the canonical splice donor site of the intron after coding-DNA position 2957, T replaced by G.
Molecular consequence: splice donor variant. On other transcripts: intron variant (1).
Genome position (GRCh38, 1-based): chr8:60,822,147, T>G. VCF-style: chr8-60822147-T-G. GRCh37 (hg19) VCF-style: chr8-61734706-T-G.
Other names: c.1717-40082T>G (NM_001316690.1).
Identifiers: ClinVar variation 4072431 (VCV004072431.1).

ClinVar aggregate classification (germline): Pathogenic (1 of 4 stars; one submission).

Submission:

GeneDx
Classification: Pathogenic. Last evaluated: 2025-02-03. Review status: criteria provided, single submitter. Criteria: GeneDx Variant Classification Process June 2021. Collection method: clinical testing. Allele origin: germline. Affected: yes.
Comment: Canonical splice site variant predicted to result in a null allele in a gene for which loss of function is a known mechanism of disease; Not observed at significant frequency in large population cohorts (gnomAD); This variant is associated with the following publications: (PMID: 25525159, 21158681)